The following is an entry in ClinVar:

ClinVar aggregate classification (germline): Conflicting classifications of pathogenicity. Review status: criteria provided, conflicting classifications (1 of 4 stars). 9 submissions from 9 submitters: Uncertain significance (6); Likely benign (3). Last evaluated 2026-08-01.

Conditions:
Cardiovascular phenotype. Identifiers: MedGen CN230736.
TTN-related disorder. Also called: TTN-related condition; TTN-related disease; TTN-related disorders.
Autosomal recessive limb-girdle muscular dystrophy type 2J (LGMDR10). Also called: MUSCULAR DYSTROPHY, LIMB-GIRDLE, AUTOSOMAL RECESSIVE 10; Limb-girdle muscular dystrophy, type 2J. Identifiers: Orphanet 140922, MedGen C1837342, MONDO:0012127, OMIM 608807.
Dilated cardiomyopathy 1G (CMD1G). Identifiers: Orphanet 154, MedGen C1858763, MONDO:0011400, OMIM 604145.

Allele frequency attached by ClinVar (database versions not stated): gnomAD exomes 0.00003; ExAC 0.00004; TOPMed 0.00010; 1000 Genomes Project 0.00020; 1000 Genomes Project 30x 0.00031.
gnomAD v4.1: 106 of 1,575,304 alleles (0.0067%); highest among the groups gnomAD compares: Non-Finnish European, 0.0084%; no homozygotes.

Submissions (9):

CeGaT Center for Human Genetics Tuebingen
Classification: Uncertain significance. Last evaluated: 2026-08-01. Review status: criteria provided, single submitter. Criteria: CeGaT Center For Human Genetics Tuebingen Variant Classification Criteria Version 2. Collection method: clinical testing. Allele origin: germline. Affected: yes. Observed: 1 variant allele.
Comment: TTN: PM2, BP4

PreventionGenetics, part of Exact Sciences
Classification: Likely benign for TTN-related condition. Last evaluated: 2025-08-15. Review status: criteria provided, single submitter. Criteria: ACMG Guidelines, 2015. Collection method: clinical testing. Allele origin: germline.
Comment: This variant is classified as likely benign based on ACMG/AMP sequence variant interpretation guidelines (Richards et al. 2015 PMID: 25741868, with internal and published modifications).

Molecular Diagnostic Laboratory for Inherited Cardiovascular Disease, Montreal Heart Institute
Classification: Uncertain significance for Cardiovascular phenotype. Last evaluated: 2025-04-09. Review status: criteria provided, single submitter. Criteria: ACMG Guidelines, 2015. Collection method: clinical testing. Allele origin: germline. Affected: yes.

Ambry Genetics
Classification: Uncertain significance for Cardiovascular phenotype. Last evaluated: 2024-08-05. Review status: criteria provided, single submitter. Criteria: Ambry Variant Classification Scheme 2023. Collection method: clinical testing. Allele origin: germline.
Comment: The c.26686+4C>T intronic variant results from a C to T substitution 4 nucleotides after coding exon 106 in the TTN gene. This nucleotide position is poorly conserved in available vertebrate species. In silico splice site analysis predicts that this alteration will not have any significant effect on splicing. Since supporting evidence is limited at this time, the clinical significance of this alteration remains unclear.

Blueprint Genetics
Classification: Likely benign. Last evaluated: 2024-03-23. Review status: criteria provided, single submitter. Criteria: ACMG Guidelines, 2015. Collection method: clinical testing. Allele origin: germline.

GeneDx
Classification: Likely benign. Last evaluated: 2019-12-17. Review status: criteria provided, single submitter. Criteria: GeneDx Variant Classification Process June 2021. Collection method: clinical testing. Allele origin: germline. Affected: yes.

Labcorp Genetics (formerly Invitae), Labcorp
Classification: Uncertain significance for Dilated cardiomyopathy 1G; Autosomal recessive limb-girdle muscular dystrophy type 2J. Last evaluated: 2019-02-13. Review status: criteria provided, single submitter. Criteria: Invitae Variant Classification Sherloc (09022015). Collection method: clinical testing. Allele origin: germline.
Comment: This sequence change falls in intron 279 of the TTN gene. It does not directly change the encoded amino acid sequence of the TTN protein, but it affects a nucleotide within the consensus splice site of the intron. This variant is present in population databases (rs187632918, ExAC 0.006%). This variant has not been reported in the literature in individuals with TTN-related disease. This variant is located in the A band of TTN (PMID: 25589632).¬†Variants in this region may be relevant for cardiac or neuromuscular disorders (PMID:¬†25589632,¬†23975875). Nucleotide substitutions within the consensus splice site are a relatively common cause of aberrant splicing (PMID: 17576681, 9536098). Algorithms developed to predict the effect of sequence changes on RNA splicing suggest that this variant may disrupt the consensus splice site, but this prediction has not been confirmed by published transcriptional studies. In summary, the available evidence is currently insufficient to determine the role of this variant in disease. Therefore, it has been classified as a Variant of Uncertain Significance.

Athena Diagnostics
Classification: Uncertain significance. Last evaluated: 2018-08-29. Review status: criteria provided, single submitter. Criteria: Athena Diagnostics Criteria. Collection method: clinical testing. Allele origin: germline.

Eurofins Ntd Llc (ga)
Classification: Uncertain significance. Last evaluated: 2017-06-29. Review status: criteria provided, single submitter. Criteria: EGL Classification Definitions 2015. Collection method: clinical testing. Allele origin: germline. Observed: 1 variant allele, 1 heterozygote.

Literature cited by the submitters: PubMed 25589632 (cited by Labcorp Genetics (formerly Invitae), Labcorp); PubMed 17576681 (cited by Labcorp Genetics (formerly Invitae), Labcorp); PubMed 9536098 (cited by Labcorp Genetics (formerly Invitae), Labcorp).

NM_001267550.2(TTN):c.53881+4C>T

Genes: TTN-AS1 (TTN antisense RNA 1; plus strand), TTN (titin; minus strand). Cytogenetic location: 2q31.2.
Variant type: single nucleotide variant.
Coding change: c.53881+4C>T on transcript NM_001267550.2 (MANE Select); 4 bases into the intron after coding-DNA position 53881, C replaced by T.
Molecular consequence: intron variant.
Genome position (GRCh38, 1-based): chr2:178,605,410, G>A on the plus strand (C>T on the coding strand, the complement: TTN is on the minus strand). VCF-style: chr2-178605410-G-A. GRCh37 (hg19) VCF-style: chr2-179470137-G-A.
Other names: c.26686+4C>T (NM_003319.4); c.27262+4C>T (NM_133437.4); c.27061+4C>T (NM_133432.3); c.46177+4C>T (NM_133378.4); c.48958+4C>T (NM_001256850.1).
Identifiers: ClinVar variation 502728 (VCV000502728.19), dbSNP rs187632918, ClinGen allele CA1993735.